The following is an entry in ClinVar:

NM_198503.5(KCNT2):c.3157G>A (p.Ala1053Thr)

Gene: KCNT2 (potassium sodium-activated channel subfamily T member 2; minus strand). Cytogenetic location: 1q31.3.
Variant type: single nucleotide variant.
Coding change: c.3157G>A on transcript NM_198503.5 (MANE Select); coding-DNA position 3157, G replaced by A.
Protein change: p.Ala1053Thr; replaces alanine 1053 with threonine.
Molecular consequence: missense variant. On other transcripts: non-coding transcript variant (2).
Genome position (GRCh38, 1-based): chr1:196,258,248, C>T on the plus strand (G>A on the coding strand, the complement: KCNT2 is on the minus strand). VCF-style: chr1-196258248-C-T. GRCh37 (hg19) VCF-style: chr1-196227378-C-T.
Other names: c.3085G>A, p.Ala1029Thr (NM_001287819.3); c.2956G>A, p.Ala986Thr (NM_001287820.3); short protein forms A1029T, A1053T, A986T.
Identifiers: ClinVar variation 4879791 (VCV004879791.1).

ClinVar aggregate classification (germline): Uncertain significance (1 of 4 stars; one submission).

Conditions:
Developmental and epileptic encephalopathy, 57. Also called: EPILEPTIC ENCEPHALOPATHY, EARLY INFANTILE, 57. Identifiers: MedGen C4540411, MONDO:0033366, OMIM 617771.

Submission:

Victorian Clinical Genetics Services, Murdoch Childrens Research Institute
Classification: Uncertain significance for Developmental and epileptic encephalopathy, 57. Last evaluated: 2026-07-08. Review status: criteria provided, single submitter. Criteria: ACMG Guidelines, 2015. Collection method: clinical testing. Allele origin: germline. Affected: yes.
Comment: This variant is classified as VUS-3A. Evidence in support of pathogenic classification: Variant is absent from gnomAD (v4); Evidence in support of benign classification: Missense variant predicted to be tolerated by in silico tool(s) or not conserved in placental mammals with a minor amino acid change. Additional information: Variant is predicted to result in a missense amino acid change from Ala to Thr; This variant is heterozygous; This gene is associated with autosomal dominant disease; Alternative amino acid change(s) at the same position are present in gnomAD (highest allele count: v4: 1 heterozygote(s), 0 homozygote(s)); This variant has no previous evidence of pathogenicity; No published evidence of segregation with disease has been identified for this variant; No published functional evidence has been identified for this variant; No comparable missense variants have previous evidence for pathogenicity; Variant is not located in an established domain, motif, hotspot or informative constraint region; Loss of function and gain of function are suggested mechanisms of disease in this gene and are associated with developmental and epileptic encephalopathy 57 (MIM#617771). However, a dominant negative mechanism has not been excluded.